The following is an entry in ClinVar:

ClinVar aggregate classification (germline): Uncertain significance (1 of 4 stars; one submission).

Conditions:
Dyskeratosis congenita, autosomal dominant 6 (DKCA6). Identifiers: Orphanet 3322, MedGen C4225284, MONDO:0014690, OMIM 616553.

Submission:

Labcorp Genetics (formerly Invitae), Labcorp
Classification: Uncertain significance for Dyskeratosis congenita, autosomal dominant 6. Last evaluated: 2026-02-01. Review status: criteria provided, single submitter. Criteria: Invitae Variant Classification Sherloc (09022015). Collection method: clinical testing. Allele origin: germline.
Comment: This sequence change replaces alanine, which is neutral and non-polar, with valine, which is neutral and non-polar, at codon 270 of the ACD protein (p.Ala270Val). This variant is not present in population databases (gnomAD no frequency). This variant has not been reported in the literature in individuals affected with ACD-related conditions. Invitae Evidence Modeling of protein sequence and biophysical properties (such as structural, functional, and spatial information, amino acid conservation, physicochemical variation, residue mobility, and thermodynamic stability) has been performed for this missense variant. However, the output from this modeling did not meet the statistical confidence thresholds required to predict the impact of this variant on ACD protein function. In summary, the available evidence is currently insufficient to determine the role of this variant in disease. Therefore, it has been classified as a Variant of Uncertain Significance.

NM_001082486.2(ACD):c.551C>T (p.Ala184Val)

Gene: ACD (ACD shelterin complex subunit and telomerase recruitment factor; minus strand). Cytogenetic location: 16q22.1.
Variant type: single nucleotide variant.
Coding change: c.551C>T on transcript NM_001082486.2 (MANE Select); coding-DNA position 551, C replaced by T.
Protein change: p.Ala184Val; replaces alanine 184 with valine.
Molecular consequence: missense variant.
Genome position (GRCh38, 1-based): chr16:67,659,022, G>A on the plus strand (C>T on the coding strand, the complement: ACD is on the minus strand). VCF-style: chr16-67659022-G-A. GRCh37 (hg19) VCF-style: chr16-67692925-G-A.
Other names: c.551C>T, p.Ala184Val (NM_001410884.1); c.542C>T, p.Ala181Val (NM_022914.3); short protein forms A184V, A181V.
Identifiers: ClinVar variation 4711588 (VCV004711588.1).
Genomic context (GRCh38, chr16:67,659,022, plus strand): 5'-ACAGGGGGTGCTGTGCAAGGGCCCTCCAGTGTCAGGCAGCTTTCAGCCAGGCACACGAGT[G>A]CCCCCTGATGCTCCTGGTCCTCCCGCATTTCATCCAGAAGCTGGGACAGTGATAGGCCTG-3'
Protein context (NP_001075955.2, residues 174-194): EMREDQEHQG[Ala184Val]LVCLAESCLT